The following is an entry in ClinVar:

ClinVar aggregate classification (germline): Uncertain significance (1 of 4 stars; one submission).

Conditions:
Long QT syndrome (LQTS). Identifiers: MedGen C0023976, MeSH D008133, MONDO:0002442. Disease mechanism: loss of function. Inheritance: Various modes of inheritance.

Submission:

Labcorp Genetics (formerly Invitae), Labcorp
Classification: Uncertain significance for Long QT syndrome. Last evaluated: 2017-11-07. Review status: criteria provided, single submitter. Criteria: Invitae Variant Classification Sherloc (09022015). Collection method: clinical testing. Allele origin: germline.
Comment: In summary, the available evidence is currently insufficient to determine the role of this variant in disease. Therefore, it has been classified as a Variant of Uncertain Significance. This variant has not been reported in the literature in individuals with AKAP9-related disease. A gross duplication of the genomic region encompassing the full coding sequence of the AKAP9 gene has been identified. The boundaries of this event are unknown as the duplication extends beyond the assayed region for this gene and therefore may encompass additional genes. As the precise location of this duplication is unknown, it may be in tandem or it may be located elsewhere in the genome.

NC_000007.13:g.(?_91570394)_(92085896_?)dup

Genes: LRRD1 (leucine rich repeats and death domain containing 1; minus strand), MIR1285-1 (microRNA 1285-1; minus strand), CYP51A1-AS1 (CYP51A1 antisense RNA 1; plus strand), AKAP9 (A-kinase anchoring protein 9; plus strand), ANKIB1 (ankyrin repeat and IBR domain containing 1; plus strand) and 16 more. Cytogenetic location: 7q21.2.
Variant type: Duplication.
Identifiers: ClinVar variation 527121 (VCV000527121.8).